The following is an entry in ClinVar:

ClinVar aggregate classification (germline): Uncertain significance. Review status: criteria provided, multiple submitters, no conflicts (2 of 4 stars). 2 submissions from 2 submitters: Uncertain significance (2). Last evaluated 2024-11-18.

Conditions:
Hermansky-Pudlak syndrome 1 (HPS1). Also called: DELTA STORAGE POOL DISEASE. Identifiers: Orphanet 231500, Orphanet 79430, MedGen C2931875, MONDO:0008748, OMIM 203300.

Allele frequency attached by ClinVar (database versions not stated): TOPMed below 0.00001; gnomAD 0.00001 and 0.00002; gnomAD exomes 0.00001.
gnomAD v4.1: 22 of 1,550,490 alleles (0.0014%); highest among the groups gnomAD compares: South Asian, 0.0048%; no homozygotes.

Submissions (2):

Labcorp Genetics (formerly Invitae), Labcorp
Classification: Uncertain significance. Last evaluated: 2024-11-18. Review status: criteria provided, single submitter. Criteria: Invitae Variant Classification Sherloc (09022015). Collection method: clinical testing. Allele origin: germline.
Comment: This sequence change replaces alanine, which is neutral and non-polar, with valine, which is neutral and non-polar, at codon 140 of the HPS1 protein (p.Ala140Val). The frequency data for this variant in the population databases is considered unreliable, as metrics indicate poor data quality at this position in the gnomAD database. This variant has not been reported in the literature in individuals affected with HPS1-related conditions. ClinVar contains an entry for this variant (Variation ID: 1417567). Invitae Evidence Modeling of protein sequence and biophysical properties (such as structural, functional, and spatial information, amino acid conservation, physicochemical variation, residue mobility, and thermodynamic stability) indicates that this missense variant is not expected to disrupt HPS1 protein function with a negative predictive value of 95%. In summary, the available evidence is currently insufficient to determine the role of this variant in disease. Therefore, it has been classified as a Variant of Uncertain Significance.

Fulgent Genetics
Classification: Uncertain significance for Hermansky-Pudlak syndrome 1. Last evaluated: 2021-12-27. Review status: criteria provided, single submitter. Criteria: ACMG Guidelines, 2015. Collection method: clinical testing. Allele origin: unknown.

NM_000195.5(HPS1):c.419C>T (p.Ala140Val)

Gene: HPS1 (HPS1 biogenesis of lysosomal organelles complex 3 subunit 1; minus strand). Cytogenetic location: 10q24.2.
Variant type: single nucleotide variant.
Coding change: c.419C>T on transcript NM_000195.5 (MANE Select); coding-DNA position 419, C replaced by T.
Protein change: p.Ala140Val; replaces alanine 140 with valine.
Molecular consequence: missense variant. On other transcripts: 5 prime UTR variant (3), synonymous variant (3).
Genome position (GRCh38, 1-based): chr10:98,434,071, G>A on the plus strand (C>T on the coding strand, the complement: HPS1 is on the minus strand). VCF-style: chr10-98434071-G-A. GRCh37 (hg19) VCF-style: chr10-100193828-G-A.
Other names: c.-498C>T (NM_001311345.2, NM_001322489.2); c.419C>T, p.Ala140Val (NM_001322476.2, NM_001322477.2, NM_001322478.2 and 5 more transcripts); c.276C>T, p.Gly92= (NM_001322480.2, NM_001322481.2, NM_001322482.2); c.50C>T, p.Ala17Val (NM_001322483.2, NM_001322484.2, NM_001322485.2); c.-597C>T (NM_001322487.2); short protein forms A17V, A140V.
Identifiers: ClinVar variation 1417567 (VCV001417567.7), dbSNP rs1243685743, ClinGen allele CA378054028.